The following is an entry in ClinVar:

NM_003937.3(KYNU):c.361_363del (p.Lys121del)

Gene: KYNU (kynureninase; plus strand). Cytogenetic location: 2q22.2.
Variant type: Deletion.
Coding change: c.361_363del on transcript NM_003937.3 (MANE Select); coding-DNA positions 361 to 363, 3 bases deleted (AAG; older notation c.361_363delAAG).
Protein change: p.Lys121del; deletes lysine 121.
Molecular consequence: inframe deletion.
Genome position (GRCh38, 1-based): chr2:142,927,729-142,927,731, AAG deleted; deleting any 3 consecutive bases within chr2:142,927,728-142,927,731 gives the same sequence; the c. name uses the placement nearest the transcript's 3' end. VCF-style (leftmost placement, unchanged base first): chr2-142927727-TGAA-T. GRCh37 (hg19) VCF-style: chr2-143685296-TGAA-T.
Other names: c.361_363del, p.Lys121del (NM_001032998.2, NM_001199241.2); short protein forms K121del.
Identifiers: ClinVar variation 988091 (VCV000988091.4), dbSNP rs767060858, ClinGen allele CA1896650.

ClinVar aggregate classification (germline): Pathogenic/Likely pathogenic. Review status: no assertion criteria provided (0 of 4 stars). 2 submissions from 2 submitters: Pathogenic (1); Likely pathogenic (1). Last evaluated 2024-03-06.

Conditions:
Vertebral, cardiac, renal, and limb defects syndrome 2. Also called: KYNURENINASE DEFICIENCY, COMPLETE; CONGENITAL NAD DEFICIENCY DISORDER 2. Identifiers: MedGen C4540014, MONDO:0060555, OMIM 617661.
Congenital NAD deficiency disorder. Identifiers: MedGen CN241975.

Submissions (2):

OMIM
Classification: Pathogenic for VERTEBRAL, CARDIAC, RENAL, AND LIMB DEFECTS SYNDROME 2. Last evaluated: 2024-03-06. Review status: no assertion criteria provided. Collection method: literature only. Allele origin: germline.

Embryology Laboratory, Victor Chang Cardiac Research Institute
Classification: Likely pathogenic for Congenital NAD Deficiency Disorder. Last evaluated: 2020-11-11. Review status: no assertion criteria provided. Collection method: research. Allele origin: inherited. Inheritance: Autosomal recessive inheritance. Affected: yes. Observed: 1 variant allele, 1 compound heterozygote.
Comment: This variant, c.361_363del, was found in compound heterozygosity with the likely pathogenic variant c.1035T>A

Literature cited by the submitters: PubMed 33942433 (cited by OMIM and Embryology Laboratory, Victor Chang Cardiac Research Institute).